The following is an entry in ClinVar:

ClinVar aggregate classification (germline): Pathogenic (1 of 4 stars; one submission).

Conditions:
Joubert syndrome. Also called: JOUBERT-BOLTSHAUSER SYNDROME; Familial aplasia of the vermis. Identifiers: Orphanet 475, MedGen C5979921, MONDO:0018772.
Meckel-Gruber syndrome. Also called: DYSENCEPHALIA SPLANCHNOCYSTICA; GRUBER SYNDROME; Dysencephalia splachnocystica. Identifiers: Orphanet 564, MedGen C0265215, MONDO:0018921.

Submission:

Labcorp Genetics (formerly Invitae), Labcorp
Classification: Pathogenic for Joubert syndrome; Meckel-Gruber syndrome. Last evaluated: 2023-12-13. Review status: criteria provided, single submitter. Criteria: Invitae Variant Classification Sherloc (09022015). Collection method: clinical testing. Allele origin: germline.
Comment: This sequence change creates a premature translational stop signal (p.Arg1180*) in the CC2D2A gene. It is expected to result in an absent or disrupted protein product. Loss-of-function variants in CC2D2A are known to be pathogenic (PMID: 19777577). This variant is not present in population databases (gnomAD no frequency). This variant has not been reported in the literature in individuals affected with CC2D2A-related conditions. For these reasons, this variant has been classified as Pathogenic.

Literature cited by the submitters: PubMed 19777577.

NM_001378615.1(CC2D2A):c.3538A>T (p.Arg1180Ter)

Genes: CC2D2A (coiled-coil and C2 domain containing 2A; plus strand), FBXL5 (F-box and leucine rich repeat protein 5; minus strand). Cytogenetic location: 4p15.32.
Variant type: single nucleotide variant.
Coding change: c.3538A>T on transcript NM_001378615.1 (MANE Select); coding-DNA position 3538, A replaced by T.
Protein change: p.Arg1180Ter; replaces arginine 1180 with a stop codon.
Molecular consequence: nonsense.
Genome position (GRCh38, 1-based): chr4:15,570,440, A>T. VCF-style: chr4-15570440-A-T. GRCh37 (hg19) VCF-style: chr4-15572063-A-T.
Other names: c.3538A>T, p.Arg1180Ter (NM_001080522.2); c.3391A>T, p.Arg1131Ter (NM_001378617.1); short protein forms R1131*, R1180*.
Identifiers: ClinVar variation 2921384 (VCV002921384.3), dbSNP rs2475083325, ClinGen allele CA356421907.